The following is an entry in ClinVar:

ClinVar aggregate classification (germline): VUS-mid (0 of 4 stars; one submission).

Conditions:
Autosomal recessive nonsyndromic hearing loss 9. Also called: NEUROSENSORY NONSYNDROMIC RECESSIVE DEAFNESS 9; OTOF-Related Hearing Loss; Deafness, autosomal recessive 9; AUDITORY NEUROPATHY, AUTOSOMAL RECESSIVE, 1, TEMPERATURE-SENSITIVE. Identifiers: Orphanet 90636, MedGen C1832828, MONDO:0010986, OMIM 601071.

gnomAD v4.1: 1 of 1,614,004 alleles (0.000062%); highest among the groups gnomAD compares: Non-Finnish European, 0.000085%; no homozygotes.

Submission:

Diagnosis and Treatment Center of Genetic Hearing Loss, Eye & ENT Hospital of Fudan University
Classification: VUS-mid for Autosomal recessive nonsyndromic hearing loss 9. Last evaluated: 2026-02-04. Review status: no assertion criteria provided. Collection method: clinical testing. Allele origin: germline. Inheritance: Autosomal recessive inheritance. Affected: yes.
Comment: The c.1345A>G missense variant in OTOF is absent from population databases (PM2_Supporting). The REVEL score is 0.375.

NM_194248.3(OTOF):c.1345A>G (p.Lys449Glu)

Gene: OTOF (otoferlin; minus strand). Cytogenetic location: 2p23.3.
Variant type: single nucleotide variant.
Coding change: c.1345A>G on transcript NM_194248.3 (MANE Select); coding-DNA position 1345, A replaced by G.
Protein change: p.Lys449Glu; replaces lysine 449 with glutamic acid.
Molecular consequence: missense variant.
Genome position (GRCh38, 1-based): chr2:26,483,509, T>C on the plus strand (A>G on the coding strand, the complement: OTOF is on the minus strand). VCF-style: chr2-26483509-T-C. GRCh37 (hg19) VCF-style: chr2-26706377-T-C.
Other names: c.1345A>G, p.Lys449Glu (NM_001287489.2); short protein forms K449E.
Identifiers: ClinVar variation 4879922 (VCV004879922.1).